The following is an entry in ClinVar:

NM_001367624.2(ZNF469):c.9458T>G (p.Phe3153Cys)

Gene: ZNF469 (zinc finger protein 469; plus strand). Cytogenetic location: 16q24.2.
Variant type: single nucleotide variant.
Coding change: c.9458T>G on transcript NM_001367624.2 (MANE Select); coding-DNA position 9458, T replaced by G.
Protein change: p.Phe3153Cys; replaces phenylalanine 3153 with cysteine.
Molecular consequence: missense variant.
Genome position (GRCh38, 1-based): chr16:88,436,928, T>G. VCF-style: chr16-88436928-T-G. GRCh37 (hg19) VCF-style: chr16-88503336-T-G.
Other names: NM_001127464.1:c.9374T>G; short protein forms F3153C.
Identifiers: ClinVar variation 2449523 (VCV002449523.2), dbSNP rs1426683922, ClinGen allele CA397122383.

ClinVar aggregate classification (germline): Uncertain significance (1 of 4 stars; one submission).

Conditions:
Cardiovascular phenotype. Identifiers: MedGen CN230736.

Allele frequency attached by ClinVar (database versions not stated): TOPMed below 0.00001; gnomAD 0.00001; gnomAD exomes 0.00001.
gnomAD v4.1: 11 of 1,494,768 alleles (0.00074%); highest among the groups gnomAD compares: African/African-American, 0.0014%; no homozygotes.

Submission:

Ambry Genetics
Classification: Uncertain significance for Cardiovascular phenotype. Last evaluated: 2023-02-27. Review status: criteria provided, single submitter. Criteria: Ambry Variant Classification Scheme 2023. Collection method: clinical testing. Allele origin: germline.
Comment: The p.F3125C variant (also known as c.9374T>G), located in coding exon 2 of the ZNF469 gene, results from a T to G substitution at nucleotide position 9374. The phenylalanine at codon 3125 is replaced by cysteine, an amino acid with highly dissimilar properties. This amino acid position is conserved. In addition, this alteration is predicted to be tolerated by in silico analysis. Since supporting evidence is limited at this time, the clinical significance of this alteration remains unclear.